The following is an entry in ClinVar:

ClinVar aggregate classification (germline): Uncertain significance (1 of 4 stars; one submission).

Conditions:
Severe combined immunodeficiency due to DNA-PKcs deficiency. Also called: IMMUNODEFICIENCY 26 WITH NEUROLOGIC ABNORMALITIES; Immunodeficiency 26 with or without neurologic abnormalities. Identifiers: Orphanet 317425, MedGen C4014833, MONDO:0014423, OMIM 615966.

Allele frequency attached by ClinVar (database versions not stated): TOPMed 0.00001.
gnomAD v4.1: 17 of 1,613,286 alleles (0.0011%); highest among the groups gnomAD compares: Non-Finnish European, 0.001%; no homozygotes.

Submission:

Labcorp Genetics (formerly Invitae), Labcorp
Classification: Uncertain significance for Severe combined immunodeficiency due to DNA-PKcs deficiency. Last evaluated: 2020-11-17. Review status: criteria provided, single submitter. Criteria: Invitae Variant Classification Sherloc (09022015). Collection method: clinical testing. Allele origin: germline.
Comment: This sequence change replaces threonine with lysine at codon 1540 of the PRKDC protein (p.Thr1540Lys). The threonine residue is weakly conserved and there is a moderate physicochemical difference between threonine and lysine. This variant is present in population databases (rs769502872, ExAC 0.02%). This variant has not been reported in the literature in individuals with PRKDC-related conditions. Experimental studies and prediction algorithms are not available or were not evaluated, and the functional significance of this variant is currently unknown. In summary, the available evidence is currently insufficient to determine the role of this variant in disease. Therefore, it has been classified as a Variant of Uncertain Significance.

NM_006904.7(PRKDC):c.4619C>A (p.Thr1540Lys)

Gene: PRKDC (protein kinase, DNA-activated, catalytic subunit; minus strand). Cytogenetic location: 8q11.21.
Variant type: single nucleotide variant.
Coding change: c.4619C>A on transcript NM_006904.7 (MANE Select); coding-DNA position 4619, C replaced by A.
Protein change: p.Thr1540Lys; replaces threonine 1540 with lysine.
Molecular consequence: missense variant.
Genome position (GRCh38, 1-based): chr8:47,886,101, G>T on the plus strand (C>A on the coding strand, the complement: PRKDC is on the minus strand). VCF-style: chr8-47886101-G-T. GRCh37 (hg19) VCF-style: chr8-48798662-G-T.
Other names: c.4619C>A, p.Thr1540Lys (NM_001081640.2); short protein forms T1540K.
Identifiers: ClinVar variation 1060311 (VCV001060311.4), dbSNP rs769502872, ClinGen allele CA4740844.